The following is an entry in ClinVar:

NM_001018005.2(TPM1):c.592A>G (p.Lys198Glu)

Gene: TPM1 (tropomyosin 1; plus strand). Cytogenetic location: 15q22.2.
Variant type: single nucleotide variant.
Coding change: c.592A>G on transcript NM_001018005.2 (MANE Select); coding-DNA position 592, A replaced by G.
Protein change: p.Lys198Glu; replaces lysine 198 with glutamic acid.
Molecular consequence: missense variant. On other transcripts: intron variant (6).
Genome position (GRCh38, 1-based): chr15:63,061,741, A>G. VCF-style: chr15-63061741-A-G. GRCh37 (hg19) VCF-style: chr15-63353940-A-G.
Other names: p.K198E:AAA>GAA; c.592A>G, p.Lys198Glu (NM_001018004.2, NM_001018007.2, NM_001301244.2 and 3 more transcripts); c.484A>G, p.Lys162Glu (NM_001018008.2, NM_001301289.2, NM_001330346.2 and 2 more transcripts); c.718A>G, p.Lys240Glu (NM_001365778.1); c.639+468A>G (NM_001018020.2, NM_001018006.2, NM_000366.6); c.531+468A>G (NM_001330351.2, NM_001330344.2, NM_001365781.2); short protein forms K198E, K162E, K240E.
Identifiers: ClinVar variation 181667 (VCV000181667.8), dbSNP rs730881140, ClinGen allele CA018203.

ClinVar aggregate classification (germline): Conflicting classifications of pathogenicity. Review status: criteria provided, conflicting classifications (1 of 4 stars). 4 submissions from 4 submitters: Likely pathogenic (1); Uncertain significance (3). Last evaluated 2025-04-09.

Conditions:
Cardiovascular phenotype. Identifiers: MedGen CN230736.
Hypertrophic cardiomyopathy. Also called: HYPERTROPHIC MYOCARDIOPATHY. Identifiers: Orphanet 217569, MedGen C0007194, MeSH D002312, MONDO:0005045, HP:0001639.

Submissions (4):

Molecular Diagnostic Laboratory for Inherited Cardiovascular Disease, Montreal Heart Institute
Classification: Uncertain significance for Cardiovascular phenotype. Last evaluated: 2025-04-09. Review status: criteria provided, single submitter. Criteria: ACMG Guidelines, 2015. Collection method: clinical testing. Allele origin: germline. Affected: yes.

Labcorp Genetics (formerly Invitae), Labcorp
Classification: Uncertain significance for Hypertrophic cardiomyopathy. Last evaluated: 2024-01-03. Review status: criteria provided, single submitter. Criteria: Invitae Variant Classification Sherloc (09022015). Collection method: clinical testing. Allele origin: germline.
Comment: This sequence change replaces lysine, which is basic and polar, with glutamic acid, which is acidic and polar, at codon 198 of the TPM1 protein (p.Lys198Glu). This variant is not present in population databases (gnomAD no frequency). This variant has not been reported in the literature in individuals affected with TPM1-related conditions. ClinVar contains an entry for this variant (Variation ID: 181667). An algorithm developed to predict the effect of missense changes on protein structure and function (PolyPhen-2) suggests that this variant is likely to be tolerated. In summary, the available evidence is currently insufficient to determine the role of this variant in disease. Therefore, it has been classified as a Variant of Uncertain Significance.

Ambry Genetics
Classification: Uncertain significance for Cardiovascular phenotype. Last evaluated: 2019-08-13. Review status: criteria provided, single submitter. Criteria: Ambry Variant Classification Scheme 2023. Collection method: clinical testing. Allele origin: germline.
Comment: The p.K198E variant (also known as c.592A>G), located in coding exon 6 of the TPM1 gene, results from an A to G substitution at nucleotide position 592. The lysine at codon 198 is replaced by glutamic acid, an amino acid with similar properties. This amino acid position is highly conserved in available vertebrate species. In addition, this alteration is predicted to be deleterious by in silico analysis. Since supporting evidence is limited at this time, the clinical significance of this alteration remains unclear.

GeneDx
Classification: Likely pathogenic. Last evaluated: 2014-07-30. Review status: criteria provided, single submitter. Criteria: GeneDx Variant Classification (06012015). Collection method: clinical testing. Allele origin: germline. Affected: yes.
Comment: The K198E variant is likely pathogenic and was identified in the TPM1 gene. It has not been published as a mutation, nor has it been reported as a benign polymorphism to our knowledge. The K198E variant was not observed in approximately 6,500 individuals of European and African American ancestry in the NHLBI Exome Sequencing Project, indicating it is not a common benign variant in these populations. The K198E variant is a non-conservative amino acid substitution, which is likely to impact secondary protein structure as these residues differ in polarity, charge, size and/or other properties. This substitution occurs at a position that is conserved across species. However, in silico analysis is inconsistent in its predictions as to whether or not the variant is damaging to the protein structure/function. Nevertheless, missense mutations in nearby residues (E192K; T201M) have been reported in association with cardiomyopathy, supporting the functional importance of this region of the protein. Therefore, this variant is a strong candidate for a pathogenic mutation, however the possibility that it is a benign variant cannot be excluded. The variant is found in DCM-CRDM panel(s).